The following is an entry in ClinVar:

ClinVar aggregate classification (germline): Uncertain significance (1 of 4 stars; one submission).

Conditions:
Brody myopathy. Also called: BRODY DISEASE. Identifiers: Orphanet 53347, MedGen C1832918, MONDO:0010977, OMIM 601003.

Submission:

Labcorp Genetics (formerly Invitae), Labcorp
Classification: Uncertain significance for Brody myopathy. Last evaluated: 2023-07-07. Review status: criteria provided, single submitter. Criteria: Invitae Variant Classification Sherloc (09022015). Collection method: clinical testing. Allele origin: germline.
Comment: An algorithm developed to predict the effect of missense changes on protein structure and function (PolyPhen-2) suggests that this variant is likely to be disruptive. In summary, the available evidence is currently insufficient to determine the role of this variant in disease. Therefore, it has been classified as a Variant of Uncertain Significance. ClinVar contains an entry for this variant (Variation ID: 1352635). This sequence change replaces isoleucine, which is neutral and non-polar, with valine, which is neutral and non-polar, at codon 765 of the ATP2A1 protein (p.Ile765Val). This variant is not present in population databases (gnomAD no frequency). This variant has not been reported in the literature in individuals affected with ATP2A1-related conditions.

NM_004320.6(ATP2A1):c.2293A>G (p.Ile765Val)

Gene: ATP2A1 (ATPase sarcoplasmic/endoplasmic reticulum Ca2+ transporting 1; plus strand). Cytogenetic location: 16p11.2.
Variant type: single nucleotide variant.
Coding change: c.2293A>G on transcript NM_004320.6 (MANE Select); coding-DNA position 2293, A replaced by G.
Protein change: p.Ile765Val; replaces isoleucine 765 with valine.
Molecular consequence: missense variant.
Genome position (GRCh38, 1-based): chr16:28,902,055, A>G. VCF-style: chr16-28902055-A-G. GRCh37 (hg19) VCF-style: chr16-28913376-A-G.
Other names: c.1918A>G, p.Ile640Val (NM_001286075.2); c.2293A>G, p.Ile765Val (NM_173201.5); short protein forms I765V, I640V.
Identifiers: ClinVar variation 1352635 (VCV001352635.8), dbSNP rs2152214414, ClinGen allele CA395413340.